The following is an entry in ClinVar:

ClinVar aggregate classification (germline): Pathogenic/Likely pathogenic. Review status: criteria provided, multiple submitters, no conflicts (2 of 4 stars). 3 submissions from 3 submitters: Pathogenic (1); Likely pathogenic (1). 1 of the submissions does not count toward it. Last evaluated 2019-03-18.

Conditions:
Early-infantile DEE. Also called: Ohtahara syndrome; Early infantile epileptic encephalopathy; Early infantile epileptic encephalopathy with suppression bursts. Identifiers: Orphanet 1934, MedGen C0393706, MONDO:0800491.
Developmental and epileptic encephalopathy, 7 (DEE7). Also called: KCNQ2-Related Neonatal-Onset Developmental and Epileptic Encephalopathy (NEO-DEE); Early infantile epileptic encephalopathy 7; KCNQ2-Related Neonatal Epileptic Encephalopathy. Identifiers: Orphanet 439218, MedGen C3150986, MONDO:0013387, OMIM 613720.

Submissions (3):

Labcorp Genetics (formerly Invitae), Labcorp
Classification: Likely pathogenic for Early-infantile DEE. Last evaluated: 2019-03-18. Review status: criteria provided, single submitter. Criteria: Invitae Variant Classification Sherloc (09022015). Collection method: clinical testing. Allele origin: germline.
Comment: A different variant (c.913T>C) giving rise to the same protein effect observed here (p.Phe305Leu) has been determined to be pathogenic (PMID:27779742, 25473036). This suggests that this variant is also likely to be causative of disease. Algorithms developed to predict the effect of sequence changes on RNA splicing suggest that this variant may create or strengthen a splice site, but this prediction has not been confirmed by published transcriptional studies. Algorithms developed to predict the effect of missense changes on protein structure and function are either unavailable or do not agree on the potential impact of this missense change (SIFT: "Deleterious"; PolyPhen-2: "Possibly Damaging"; Align-GVGD: "Class C15"). This variant has been observed in an individual affected with neonatal epileptic encephalopathy (PMID: 24107868). ClinVar contains an entry for this variant (Variation ID: 205887). This variant is not present in population databases (ExAC no frequency). This sequence change replaces phenylalanine with leucine at codon 305 of the KCNQ2 protein (p.Phe305Leu). The phenylalanine residue is highly conserved and there is a small physicochemical difference between phenylalanine and leucine. In summary, the currently available evidence indicates that the variant is pathogenic, but additional data are needed to prove that conclusively. Therefore, this variant has been classified as Likely Pathogenic.

GeneDx
Classification: Pathogenic. Last evaluated: 2013-02-05. Review status: criteria provided, single submitter. Criteria: GeneDx Variant Classification (06012015). Collection method: clinical testing. Allele origin: germline. Affected: yes.
Comment: p.Phe305Leu (TTC>TTA): c.915 C>A in exon 6 of the KCNQ2 gene (NM_172107.2)The Phe305Leu missense change has not been published as a mutation, nor has it been reported as a benign polymorphism to our knowledge. The NHLBI ESP Exome Variant Project has not identified Phe305Leu in approximately 6,500 individuals of European or African American ethnicity, indicating that it is not a common benign variant in these populations. The amino acid substitution is conservative as both Phenylalanine and Leucine are uncharged, non-polar amino acid residues. However, Phe305Leu alters a conserved position in a transmembrane domain in the KCNQ2 protein and other missense mutations in this region of the protein have been identified in patients with benign familial neonatal seizures (Steinlein et al., 2007; Singh et al., 1998). In addition, multiple in-silico algorithms predict it may be damaging to the structure/function of the protein. Therefore, based on the currently available information, Phe305Leu is a strong candidate for a disease-causing mutation, although the possibility that it is a benign variant cannot be excluded. The variant is found in INFANT-EPI panel(s).

GeneReviews
No classification provided. Condition: Developmental and epileptic encephalopathy, 7. Review status: no classification provided. Collection method: literature only. Allele origin: germline. Affected: yes. Not counted in ClinVar's aggregate classification.
Comment: EE (epileptic encephalopathy)

Literature cited by the submitters: PubMed 27779742 (cited by Labcorp Genetics (formerly Invitae), Labcorp); PubMed 25473036 (cited by Labcorp Genetics (formerly Invitae), Labcorp); PubMed 24107868 (cited by Labcorp Genetics (formerly Invitae), Labcorp and GeneReviews); NCBI Bookshelf NBK32534 (cited by GeneReviews).

NM_172107.4(KCNQ2):c.915C>A (p.Phe305Leu)

Gene: KCNQ2 (potassium voltage-gated channel subfamily Q member 2; minus strand). Cytogenetic location: 20q13.33.
Variant type: single nucleotide variant.
Coding change: c.915C>A on transcript NM_172107.4 (MANE Select); coding-DNA position 915, C replaced by A.
Protein change: p.Phe305Leu; replaces phenylalanine 305 with leucine.
Molecular consequence: missense variant.
Genome position (GRCh38, 1-based): chr20:63,439,610, G>T on the plus strand (C>A on the coding strand, the complement: KCNQ2 is on the minus strand). VCF-style: chr20-63439610-G-T. GRCh37 (hg19) VCF-style: chr20-62070963-G-T.
Other names: p.F305L:TTC>TTA; c.915C>A, p.Phe305Leu (NM_004518.6, NM_172106.3, NM_172108.5 and 1 more transcripts); short protein forms F305L.
Identifiers: ClinVar variation 205887 (VCV000205887.14), dbSNP rs775918190, ClinGen allele CA315408.